The following is an entry in ClinVar:

ClinVar aggregate classification (germline): Uncertain significance (1 of 4 stars; one submission).

Conditions:
Neurofibromatosis, type 1 (NF1). Also called: NEUROFIBROMATOSIS, TYPE I, SOMATIC; VON RECKLINGHAUSEN DISEASE; Peripheral type neurofibromatosis; Neurofibromatosis, type I. Identifiers: Orphanet 636, MedGen C0027831, MONDO:0018975, OMIM 162200. Disease mechanism: loss of function.

Allele frequency attached by ClinVar (database versions not stated): gnomAD 0.00001.
gnomAD v4.1: 1 of 1,607,950 alleles (0.000062%); highest among the groups gnomAD compares: South Asian, 0.0011%; no homozygotes.

Submission:

Labcorp Genetics (formerly Invitae), Labcorp
Classification: Uncertain significance for Neurofibromatosis, type 1. Last evaluated: 2021-10-25. Review status: criteria provided, single submitter. Criteria: Invitae Variant Classification Sherloc (09022015). Collection method: clinical testing. Allele origin: germline.
Comment: This sequence change falls in intron 10 of the NF1 gene. It does not directly change the encoded amino acid sequence of the NF1 protein. It affects a nucleotide within the consensus splice site. This variant is not present in population databases (gnomAD no frequency). This variant has not been reported in the literature in individuals affected with NF1-related conditions. Variants that disrupt the consensus splice site are a relatively common cause of aberrant splicing (PMID: 17576681, 9536098). Algorithms developed to predict the effect of sequence changes on RNA splicing suggest that this variant is not likely to affect RNA splicing. In summary, the available evidence is currently insufficient to determine the role of this variant in disease. Therefore, it has been classified as a Variant of Uncertain Significance.

Literature cited by the submitters: PubMed 17576681; PubMed 9536098.

NM_001042492.3(NF1):c.1186-3T>C

Gene: NF1 (neurofibromin 1; plus strand). Cytogenetic location: 17q11.2.
Variant type: single nucleotide variant.
Coding change: c.1186-3T>C on transcript NM_001042492.3 (MANE Select); 3 bases into the intron before coding-DNA position 1186, T replaced by C.
Molecular consequence: intron variant.
Genome position (GRCh38, 1-based): chr17:31,201,408, T>C. VCF-style: chr17-31201408-T-C. GRCh37 (hg19) VCF-style: chr17-29528426-T-C.
Other names: c.1186-3T>C (NM_000267.4, NM_001128147.3).
Identifiers: ClinVar variation 1447198 (VCV001447198.6), dbSNP rs2066527385, ClinGen allele CA982961924.
Genomic context (GRCh38, chr17:31,201,408, plus strand): 5'-CATTTGTATTACTGAGTATTTTTCTCATAGAAATAATCTGCTTTTTTTTTTCTTTTTCTA[T>C]AGATCTGCCTGGCTCAGAATTCACCTTCTACATTTCACTATGTGCTGGTAAATTCACTCC-3'